The following is an entry in ClinVar:

NM_133510.4(RAD51B):c.188A>C (p.Lys63Thr)

Gene: RAD51B (RAD51 paralog B; plus strand). Cytogenetic location: 14q24.1.
Variant type: single nucleotide variant.
Coding change: c.188A>C on transcript NM_133510.4 (MANE Select); coding-DNA position 188, A replaced by C.
Protein change: p.Lys63Thr; replaces lysine 63 with threonine.
Molecular consequence: missense variant. On other transcripts: 5 prime UTR variant (1).
Genome position (GRCh38, 1-based): chr14:67,825,567, A>C. VCF-style: chr14-67825567-A-C. GRCh37 (hg19) VCF-style: chr14-68292284-A-C.
Other names: c.188A>C, p.Lys63Thr (NM_001321809.2, NM_001321810.2, NM_001321812.1 and 6 more transcripts); c.74A>C, p.Lys25Thr (NM_001321815.1); c.-268A>C (NM_001321817.2); short protein forms K25T, K63T.
Identifiers: ClinVar variation 5027796 (VCV005027796.1).

ClinVar aggregate classification (germline): Uncertain significance (1 of 4 stars; one submission).

Submission:

Ambry Genetics
Classification: Uncertain significance. Last evaluated: 2026-09-06. Review status: criteria provided, single submitter. Criteria: Ambry Variant Classification Scheme 2023. Collection method: clinical testing. Allele origin: germline.
Comment: The p.K63T variant (also known as c.188A>C), located in coding exon 2 of the RAD51B gene, results from an A to C substitution at nucleotide position 188. The lysine at codon 63 is replaced by threonine, an amino acid with similar properties. This amino acid position is conserved. In addition, this alteration is predicted to be tolerated by in silico analysis. Based on the available evidence, the clinical significance of this variant remains unclear.